The following is an entry in ClinVar:

ClinVar aggregate classification (germline): Conflicting classifications of pathogenicity. Review status: criteria provided, conflicting classifications (1 of 4 stars). 4 submissions from 3 submitters: Uncertain significance (3); Benign (1). Last evaluated 2025-11-05.

Conditions:
Adams-Oliver syndrome 5 (AOS5). Identifiers: Orphanet 974, MedGen C4014970, MONDO:0014459, OMIM 616028.
Familial thoracic aortic aneurysm and aortic dissection (TAAD). Also called: Thoracic aortic aneurysms and dissections. Identifiers: Orphanet 91387, MedGen C4707243, MONDO:0019625.
Aortic valve disease 1 (AOVD1). Identifiers: MedGen C3887892, MONDO:0024523, OMIM 109730.

Allele frequency attached by ClinVar (database versions not stated): TOPMed below 0.00001.
gnomAD v4.1: 15 of 1,613,234 alleles (0.00093%); highest among the groups gnomAD compares: Admixed American, 0.013%; no homozygotes.

Submissions (4):

Labcorp Genetics (formerly Invitae), Labcorp
Classification: Benign for Adams-Oliver syndrome 5. Last evaluated: 2025-11-05. Review status: criteria provided, single submitter. Criteria: Invitae Variant Classification Sherloc (09022015). Collection method: clinical testing. Allele origin: germline.

Ambry Genetics
Classification: Uncertain significance for Familial thoracic aortic aneurysm and aortic dissection. Last evaluated: 2023-09-30. Review status: criteria provided, single submitter. Criteria: Ambry Variant Classification Scheme 2023. Collection method: clinical testing. Allele origin: germline.
Comment: The p.W1813L variant (also known as c.5438G>T), located in coding exon 29 of the NOTCH1 gene, results from a G to T substitution at nucleotide position 5438. The tryptophan at codon 1813 is replaced by leucine, an amino acid with similar properties. This amino acid position is highly conserved in available vertebrate species. In addition, the in silico prediction for this alteration is inconclusive. Since supporting evidence is limited at this time, the clinical significance of this alteration remains unclear.

Genome-Nilou Lab
Classification: Uncertain significance for Adams-Oliver syndrome 5. Last evaluated: 2022-03-15. Review status: criteria provided, single submitter. Criteria: ACMG Guidelines, 2015. Collection method: clinical testing. Allele origin: germline. Affected: no.

Genome-Nilou Lab
Classification: Uncertain significance for Aortic valve disease 1. Last evaluated: 2022-03-15. Review status: criteria provided, single submitter. Criteria: ACMG Guidelines, 2015. Collection method: clinical testing. Allele origin: germline. Affected: no.

NM_017617.5(NOTCH1):c.5438G>T (p.Trp1813Leu)

Gene: NOTCH1 (notch receptor 1; minus strand). Cytogenetic location: 9q34.3.
Variant type: single nucleotide variant.
Coding change: c.5438G>T on transcript NM_017617.5 (MANE Select); coding-DNA position 5438, G replaced by T.
Protein change: p.Trp1813Leu; replaces tryptophan 1813 with leucine.
Molecular consequence: missense variant.
Genome position (GRCh38, 1-based): chr9:136,502,035, C>A on the plus strand (G>T on the coding strand, the complement: NOTCH1 is on the minus strand). VCF-style: chr9-136502035-C-A. GRCh37 (hg19) VCF-style: chr9-139396487-C-A.
Other names: c.5438G>T, p.Trp1813Leu (LRG_1122t1); short protein forms W1813L.
Identifiers: ClinVar variation 520082 (VCV000520082.16), dbSNP rs755659037, ClinGen allele CA5340270.